The following is an entry in ClinVar:

NM_003054.6(SLC18A2):c.1354C>G (p.Leu452Val)

Gene: SLC18A2 (solute carrier family 18 member A2; plus strand). Cytogenetic location: 10q25.3.
Variant type: single nucleotide variant.
Coding change: c.1354C>G on transcript NM_003054.6 (MANE Select); coding-DNA position 1354, C replaced by G.
Protein change: p.Leu452Val; replaces leucine 452 with valine.
Molecular consequence: missense variant.
Genome position (GRCh38, 1-based): chr10:117,270,377, C>G. VCF-style: chr10-117270377-C-G. GRCh37 (hg19) VCF-style: chr10-119029888-C-G.
Other names: short protein forms L452V.
Identifiers: ClinVar variation 2042170 (VCV002042170.4), dbSNP rs1304349983, ClinGen allele CA378513759.

ClinVar aggregate classification (germline): Uncertain significance (1 of 4 stars; one submission).

Allele frequency attached by ClinVar (database versions not stated): gnomAD exomes below 0.00001.
gnomAD v4.1: 4 of 1,614,142 alleles (0.00025%); highest among the groups gnomAD compares: South Asian, 0.0022%; no homozygotes.

Submission:

Labcorp Genetics (formerly Invitae), Labcorp
Classification: Uncertain significance. Last evaluated: 2021-12-13. Review status: criteria provided, single submitter. Criteria: Invitae Variant Classification Sherloc (09022015). Collection method: clinical testing. Allele origin: germline.
Comment: In summary, the available evidence is currently insufficient to determine the role of this variant in disease. Therefore, it has been classified as a Variant of Uncertain Significance. Algorithms developed to predict the effect of missense changes on protein structure and function (SIFT, PolyPhen-2, Align-GVGD) all suggest that this variant is likely to be tolerated. This variant has not been reported in the literature in individuals affected with SLC18A2-related conditions. This variant is present in population databases (no rsID available, gnomAD 0.003%). This sequence change replaces leucine, which is neutral and non-polar, with valine, which is neutral and non-polar, at codon 452 of the SLC18A2 protein (p.Leu452Val).